The following is an entry in ClinVar:

ClinVar aggregate classification (germline): Uncertain significance. Review status: criteria provided, multiple submitters, no conflicts (2 of 4 stars). 2 submissions from 2 submitters: Uncertain significance (2). Last evaluated 2025-11-17.

Conditions:
Inborn genetic diseases. Identifiers: MedGen C0950123, MeSH D030342.

gnomAD v4.1: 60 of 1,612,176 alleles (0.0037%); highest among the groups gnomAD compares: African/African-American, 0.069%; no homozygotes.

Submissions (2):

Greenwood Genetic Center Diagnostic Laboratories, Greenwood Genetic Center
Classification: Uncertain significance. Last evaluated: 2025-11-17. Review status: criteria provided, single submitter. Criteria: ACMG Guidelines, 2015. Collection method: clinical testing. Allele origin: germline. Affected: yes.
Comment: PM2, BP4

Ambry Genetics
Classification: Uncertain significance for Inborn genetic diseases. Last evaluated: 2024-06-04. Review status: criteria provided, single submitter. Criteria: Ambry Variant Classification Scheme 2023. Collection method: clinical testing. Allele origin: germline.

NM_198129.4(LAMA3):c.1439C>T (p.Ser480Leu)

Gene: LAMA3 (laminin subunit alpha 3; plus strand). Cytogenetic location: 18q11.2.
Variant type: single nucleotide variant.
Coding change: c.1439C>T on transcript NM_198129.4 (MANE Select); coding-DNA position 1439, C replaced by T.
Protein change: p.Ser480Leu; replaces serine 480 with leucine.
Molecular consequence: missense variant. On other transcripts: non-coding transcript variant (1).
Genome position (GRCh38, 1-based): chr18:23,777,590, C>T. VCF-style: chr18-23777590-C-T. GRCh37 (hg19) VCF-style: chr18-21357554-C-T.
Other names: c.1439C>T, p.Ser480Leu (NM_001127717.4); short protein forms S480L.
Identifiers: ClinVar variation 3289904 (VCV003289904.2).